The following is an entry in ClinVar:

ClinVar aggregate classification (germline): Uncertain significance (1 of 4 stars; one submission).

Conditions:
Cardiovascular phenotype. Identifiers: MedGen CN230736.

Submission:

Ambry Genetics
Classification: Uncertain significance for Cardiovascular phenotype. Last evaluated: 2024-05-09. Review status: criteria provided, single submitter. Criteria: Ambry Variant Classification Scheme 2023. Collection method: clinical testing. Allele origin: germline.
Comment: The c.4917+5G>A intronic variant results from a G to A substitution 5 nucleotides after coding exon 18 in the AKAP9 gene. This nucleotide position is not well conserved in available vertebrate species. In silico splice site analysis predicts that this alteration will not have any significant effect on splicing. The evidence for this gene-disease relationship is limited; therefore, the clinical significance of this alteration is unclear.

NM_005751.5(AKAP9):c.4917+5G>A

Gene: AKAP9 (A-kinase anchoring protein 9; plus strand). Cytogenetic location: 7q21.2.
Variant type: single nucleotide variant.
Coding change: c.4917+5G>A on transcript NM_005751.5 (MANE Select); 5 bases into the intron after coding-DNA position 4917, G replaced by A.
Molecular consequence: intron variant.
Genome position (GRCh38, 1-based): chr7:92,040,903, G>A. VCF-style: chr7-92040903-G-A. GRCh37 (hg19) VCF-style: chr7-91670217-G-A.
Other names: c.4917+5G>A (NM_147185.3).
Identifiers: ClinVar variation 3281929 (VCV003281929.1).